The following is an entry in ClinVar:

ClinVar aggregate classification (germline): Pathogenic (1 of 4 stars; one submission).

Allele frequency attached by ClinVar (database versions not stated): gnomAD exomes below 0.00001; TOPMed below 0.00001; gnomAD 0.00001.

Submission:

Labcorp Genetics (formerly Invitae), Labcorp
Classification: Pathogenic. Last evaluated: 2024-02-13. Review status: criteria provided, single submitter. Criteria: Invitae Variant Classification Sherloc (09022015). Collection method: clinical testing. Allele origin: germline.
Comment: This sequence change creates a premature translational stop signal (p.Trp921*) in the DUOX2 gene. It is expected to result in an absent or disrupted protein product. Loss-of-function variants in DUOX2 are known to be pathogenic (PMID: 12110737, 18765513, 21565790, 24423310, 24735383). This variant is present in population databases (no rsID available, gnomAD 0.002%). This premature translational stop signal has been observed in individual(s) with congenital hypothyroidism (PMID: 33631011). For these reasons, this variant has been classified as Pathogenic.

Literature cited by the submitters: PubMed 12110737; PubMed 18765513; PubMed 21565790; PubMed 24423310; PubMed 24735383; PubMed 33631011.

NM_001363711.2(DUOX2):c.2762G>A (p.Trp921Ter)

Gene: DUOX2 (dual oxidase 2; minus strand). Cytogenetic location: 15q21.1.
Variant type: single nucleotide variant.
Coding change: c.2762G>A on transcript NM_001363711.2 (MANE Select); coding-DNA position 2762, G replaced by A.
Protein change: p.Trp921Ter; replaces tryptophan 921 with a stop codon.
Molecular consequence: nonsense.
Genome position (GRCh38, 1-based): chr15:45,101,882, C>T on the plus strand (G>A on the coding strand, the complement: DUOX2 is on the minus strand). VCF-style: chr15-45101882-C-T. GRCh37 (hg19) VCF-style: chr15-45394080-C-T.
Other names: c.2762G>A, p.Trp921Ter (NM_014080.5); short protein forms W921*.
Identifiers: ClinVar variation 2780297 (VCV002780297.3), dbSNP rs1460159434, ClinGen allele CA392266976.